The following is an entry in ClinVar:

ClinVar aggregate classification (germline): Uncertain significance. Review status: criteria provided, multiple submitters, no conflicts (2 of 4 stars). 2 submissions from 2 submitters: Uncertain significance (2). Last evaluated 2025-12-04.

Conditions:
Hereditary cancer-predisposing syndrome. Also called: Neoplastic Syndromes, Hereditary; Tumor predisposition; Hereditary neoplastic syndrome; Hereditary Cancer Syndrome. Identifiers: Orphanet 140162, MedGen C0027672, MeSH D009386, MONDO:0015356.
Familial cancer of breast. Also called: hereditary breast carcinoma; Hereditary breast cancer; BREAST CANCER, FAMILIAL. Identifiers: Orphanet 227535, MedGen C0346153, MONDO:0016419, OMIM 114480. Disease mechanism: loss of function.

Submissions (2):

Ambry Genetics
Classification: Uncertain significance for Hereditary cancer-predisposing syndrome. Last evaluated: 2025-12-04. Review status: criteria provided, single submitter. Criteria: Ambry Variant Classification Scheme 2023. Collection method: clinical testing. Allele origin: germline.
Comment: The p.I364K variant (also known as c.1091T>A), located in coding exon 9 of the CHEK2 gene, results from a T to A substitution at nucleotide position 1091. The isoleucine at codon 364 is replaced by lysine, an amino acid with dissimilar properties. This amino acid position is highly conserved in available vertebrate species. In addition, this alteration is predicted to be deleterious by in silico analysis. Based on the available evidence, the clinical significance of this variant remains unclear.

Labcorp Genetics (formerly Invitae), Labcorp
Classification: Uncertain significance for Familial cancer of breast. Last evaluated: 2021-09-24. Review status: criteria provided, single submitter. Criteria: Invitae Variant Classification Sherloc (09022015). Collection method: clinical testing. Allele origin: germline.
Comment: This sequence change replaces isoleucine with lysine at codon 364 of the CHEK2 protein (p.Ile364Lys). The isoleucine residue is highly conserved and there is a moderate physicochemical difference between isoleucine and lysine. In summary, the available evidence is currently insufficient to determine the role of this variant in disease. Therefore, it has been classified as a Variant of Uncertain Significance. Algorithms developed to predict the effect of missense changes on protein structure and function are either unavailable or do not agree on the potential impact of this missense change (SIFT: "Deleterious"; PolyPhen-2: "Probably Damaging"; Align-GVGD: "Class C0"). This variant has not been reported in the literature in individuals affected with CHEK2-related conditions. This variant is not present in population databases (ExAC no frequency).

NM_007194.4(CHEK2):c.1091T>A (p.Ile364Lys)

Gene: CHEK2 (checkpoint kinase 2; minus strand). Cytogenetic location: 22q12.1.
Variant type: single nucleotide variant.
Coding change: c.1091T>A on transcript NM_007194.4 (MANE Select); coding-DNA position 1091, T replaced by A.
Protein change: p.Ile364Lys; replaces isoleucine 364 with lysine.
Molecular consequence: missense variant. On other transcripts: intron variant (3).
Genome position (GRCh38, 1-based): chr22:28,696,905, A>T on the plus strand (T>A on the coding strand, the complement: CHEK2 is on the minus strand). VCF-style: chr22-28696905-A-T. GRCh37 (hg19) VCF-style: chr22-29092893-A-T.
Other names: c.1220T>A, p.Ile407Lys (NM_001005735.3); c.428T>A, p.Ile143Lys (NM_001257387.3, NM_001437942.1); c.890T>A, p.Ile297Lys (NM_001349956.3); c.1184T>A, p.Ile395Lys (NM_001438293.1); c.1009-1032T>A (NM_145862.3); c.1102-1032T>A (NM_001438295.1); c.1138-1032T>A (NM_001438294.1); c.1091T>A (NM_007194.3); short protein forms I143K, I364K, I297K, I407K, I395K.
Identifiers: ClinVar variation 1355178 (VCV001355178.8), dbSNP rs774179198, ClinGen allele CA411097452.
Genomic context (GRCh38, chr22:28,696,905, plus strand): 5'-AAGTTTCTGAACAAGAATCTACAGGAATAGCCACATACAGAATGCCAATTTCTTACCTTT[A>T]TAAGACAGTCCTCTTCTTGAGATGACAGTAAAACATTCTCTGGCTTTAAGTCACGGTGTA-3'
Protein context (NP_009125.1, residues 354-374): LLSSQEEDCL[Ile364Lys]KITDFGHSKI